The following is an entry in ClinVar:

NM_021098.3(CACNA1H):c.4922A>G (p.Gln1641Arg)

Gene: CACNA1H (calcium voltage-gated channel subunit alpha1 H; plus strand). Cytogenetic location: 16p13.3.
Variant type: single nucleotide variant.
Coding change: c.4922A>G on transcript NM_021098.3 (MANE Select); coding-DNA position 4922, A replaced by G.
Protein change: p.Gln1641Arg; replaces glutamine 1641 with arginine.
Molecular consequence: missense variant.
Genome position (GRCh38, 1-based): chr16:1,213,924, A>G. VCF-style: chr16-1213924-A-G. GRCh37 (hg19) VCF-style: chr16-1263924-A-G.
Other names: c.4904A>G, p.Gln1635Arg (NM_001005407.2); short protein forms Q1641R, Q1635R.
Identifiers: ClinVar variation 661509 (VCV000661509.5), dbSNP rs1596466547, ClinGen allele CA394145749.

ClinVar aggregate classification (germline): Uncertain significance. Review status: criteria provided, multiple submitters, no conflicts (2 of 4 stars). 3 submissions from 3 submitters: Uncertain significance (3). Last evaluated 2019-05-22.

Conditions:
Epilepsy, childhood absence, susceptibility to, 6. Identifiers: Orphanet 64280, MedGen C2749872, MONDO:0012763, OMIM 611942.
Hyperaldosteronism, familial, type IV (HALD4). Also called: FH IV; ALDOSTERONISM, PRIMARY, AND HYPERTENSION. Identifiers: Orphanet 642671, MedGen C4310756, MONDO:0014875, OMIM 617027.
Idiopathic generalized epilepsy. Also called: EIG; Generalised epilepsy. Identifiers: MedGen C0270850, MONDO:0005579, OMIM 600669.

Allele frequency attached by ClinVar (database versions not stated): gnomAD exomes below 0.00001.
gnomAD v4.1: 1 of 1,610,046 alleles (0.000062%); highest among the groups gnomAD compares: Middle Eastern, 0.017%; no homozygotes.

Submissions (3):

GeneDx
Classification: Uncertain significance. Last evaluated: 2019-05-22. Review status: criteria provided, single submitter. Criteria: GeneDx Variant Classification Process June 2021. Collection method: clinical testing. Allele origin: germline. Affected: yes.
Comment: Not observed in large population cohorts (Lek et al., 2016); In silico analysis, which includes protein predictors and evolutionary conservation, supports a deleterious effect; Has not been previously published as pathogenic or benign to our knowledge

Labcorp Genetics (formerly Invitae), Labcorp
Classification: Uncertain significance for Idiopathic generalized epilepsy; Hyperaldosteronism, familial, type IV. Last evaluated: 2018-08-20. Review status: criteria provided, single submitter. Criteria: Invitae Variant Classification Sherloc (09022015). Collection method: clinical testing. Allele origin: germline.
Comment: This sequence change replaces glutamine with arginine at codon 1641 of the CACNA1H protein (p.Gln1641Arg). The glutamine residue is highly conserved and there is a small physicochemical difference between glutamine and arginine. This variant is not present in population databases (ExAC no frequency). This variant has not been reported in the literature in individuals with CACNA1H-related disease. Algorithms developed to predict the effect of missense changes on protein structure and function (SIFT, PolyPhen-2, Align-GVGD) all suggest that this variant is likely to be disruptive, but these predictions have not been confirmed by published functional studies and their clinical significance is uncertain. In summary, the available evidence is currently insufficient to determine the role of this variant in disease. Therefore, it has been classified as a Variant of Uncertain Significance.

Juno Genomics, Hangzhou Juno Genomics, Inc
Classification: Uncertain significance for Epilepsy, childhood absence, susceptibility to, 6; Hyperaldosteronism, familial, type IV. Review status: criteria provided, single submitter. Criteria: ACMG Guidelines, 2015. Collection method: clinical testing. Allele origin: germline. Affected: yes.
Comment: Absent from controls (or at extremely low frequency if recessive) in Genome Aggregation Database, Exome Sequencing Project, 1000 Genomes Project, or Exome Aggregation Consortium.;Multiple lines of computational evidence support a deleterious effect on the gene or gene product (conservation, evolutionary, splicing impact, etc).